The following is an entry in ClinVar:

ClinVar aggregate classification (germline): Uncertain significance (1 of 4 stars; one submission).

Conditions:
Cardiovascular phenotype. Identifiers: MedGen CN230736.

Submission:

Ambry Genetics
Classification: Uncertain significance for Cardiovascular phenotype. Last evaluated: 2020-04-20. Review status: criteria provided, single submitter. Criteria: Ambry Variant Classification Scheme 2023. Collection method: clinical testing. Allele origin: germline.
Comment: The p.P266H variant (also known as c.797C>A), located in coding exon 3 of the LOX gene, results from a C to A substitution at nucleotide position 797. The proline at codon 266 is replaced by histidine, an amino acid with similar properties. This amino acid position is highly conserved in available vertebrate species. In addition, this alteration is predicted to be deleterious by in silico analysis. Since supporting evidence is limited at this time, the clinical significance of this alteration remains unclear.

NM_002317.7(LOX):c.797C>A (p.Pro266His)

Genes: LOX (lysyl oxidase; minus strand), SRFBP1 (serum response factor binding protein 1; plus strand). Cytogenetic location: 5q23.1.
Variant type: single nucleotide variant.
Coding change: c.797C>A on transcript NM_002317.7 (MANE Select); coding-DNA position 797, C replaced by A.
Protein change: p.Pro266His; replaces proline 266 with histidine.
Molecular consequence: missense variant. On other transcripts: 5 prime UTR variant (1).
Genome position (GRCh38, 1-based): chr5:122,075,485, G>T on the plus strand (C>A on the coding strand, the complement: LOX is on the minus strand). VCF-style: chr5-122075485-G-T. GRCh37 (hg19) VCF-style: chr5-121411180-G-T.
Other names: c.107C>A, p.Pro36His (NM_001178102.2); c.-95C>A (NM_001317073.1); short protein forms P266H, P36H.
Identifiers: ClinVar variation 1761450 (VCV001761450.2), dbSNP rs2532911473, ClinGen allele CA360882185.